The following is an entry in ClinVar:

NM_015559.3(SETBP1):c.3851T>C (p.Met1284Thr)

Gene: SETBP1 (SET binding protein 1; plus strand). Cytogenetic location: 18q12.3.
Variant type: single nucleotide variant.
Coding change: c.3851T>C on transcript NM_015559.3 (MANE Select); coding-DNA position 3851, T replaced by C.
Protein change: p.Met1284Thr; replaces methionine 1284 with threonine.
Molecular consequence: missense variant.
Genome position (GRCh38, 1-based): chr18:44,953,191, T>C. VCF-style: chr18-44953191-T-C. GRCh37 (hg19) VCF-style: chr18-42533156-T-C.
Other names: c.3851T>C, p.Met1284Thr (NM_001379141.1, NM_001379142.1); short protein forms M1284T.
Identifiers: ClinVar variation 1508466 (VCV001508466.8), dbSNP rs2145115984, ClinGen allele CA402325321.
Genomic context (GRCh38, chr18:44,953,191, plus strand): 5'-CTGGCAGTGGCGGGGATGGTGGCAGCACGAGATCAGAGAACCTGGACGTGTTCAGTGAAA[T>C]GAACCCTTCGAATGACAAGTGGGACAGTGACGTGAGTGGGAGTAAAAGGAGGAGCTATGA-3'
Protein context (NP_056374.2, residues 1274-1294): RSENLDVFSE[Met1284Thr]NPSNDKWDSD

ClinVar aggregate classification (germline): Uncertain significance (1 of 4 stars; one submission).

Allele frequency attached by ClinVar (database versions not stated): gnomAD exomes below 0.00001.

Submission:

Labcorp Genetics (formerly Invitae), Labcorp
Classification: Uncertain significance. Last evaluated: 2021-07-19. Review status: criteria provided, single submitter. Criteria: Invitae Variant Classification Sherloc (09022015). Collection method: clinical testing. Allele origin: germline.
Comment: Algorithms developed to predict the effect of missense changes on protein structure and function are either unavailable or do not agree on the potential impact of this missense change (SIFT: "Deleterious"; PolyPhen-2: "Benign"; Align-GVGD: "Class C0"). In summary, the available evidence is currently insufficient to determine the role of this variant in disease. Therefore, it has been classified as a Variant of Uncertain Significance. This sequence change replaces methionine with threonine at codon 1284 of the SETBP1 protein (p.Met1284Thr). The methionine residue is highly conserved and there is a moderate physicochemical difference between methionine and threonine. This variant is not present in population databases (ExAC no frequency). This variant has not been reported in the literature in individuals with SETBP1-related conditions.